The following is an entry in ClinVar:

ClinVar aggregate classification (germline): Pathogenic/Likely pathogenic. Review status: criteria provided, multiple submitters, no conflicts (2 of 4 stars). 6 submissions from 6 submitters: Pathogenic (3); Likely pathogenic (2). 1 of the submissions does not count toward it. Last evaluated 2025-04-13.

Conditions:
MAN2B1-related disorder. Also called: MAN2B1-related condition.
Deficiency of alpha-mannosidase (MANSA). Also called: Alpha-Mannosidosis; Mannosidosis, alpha-, types I and II; LYSOSOMAL ALPHA-D-MANNOSIDASE DEFICIENCY. Identifiers: Orphanet 61, MedGen C0024748, MONDO:0009561, OMIM 248500.

Submissions (6):

Labcorp Genetics (formerly Invitae), Labcorp
Classification: Pathogenic for Deficiency of alpha-mannosidase. Last evaluated: 2025-04-13. Review status: criteria provided, single submitter. Criteria: Invitae Variant Classification Sherloc (09022015). Collection method: clinical testing. Allele origin: germline.
Comment: This sequence change creates a premature translational stop signal (p.Val935Argfs*) in the MAN2B1 gene. While this is not anticipated to result in nonsense mediated decay, it is expected to disrupt the last 77 amino acid(s) of the MAN2B1 protein. This variant is not present in population databases (gnomAD no frequency). This premature translational stop signal has been observed in individual(s) with alpha-mannosidosis (PMID: 22161967). ClinVar contains an entry for this variant (Variation ID: 370914). This variant results in an extension of the MAN2B1 protein. Other variant(s) that result in a similarly extended protein product (p.Thr974Asnfs*) have been determined to be pathogenic (PMID: 22161967, 26048034). This suggests that these extensions are likely to be disease-causing. For these reasons, this variant has been classified as Pathogenic.

Women's Health and Genetics/Laboratory Corporation of America, LabCorp
Classification: Likely pathogenic for Deficiency of alpha-mannosidase. Last evaluated: 2022-11-12. Review status: criteria provided, single submitter. Criteria: LabCorp Variant Classification Summary - May 2015. Collection method: clinical testing. Allele origin: germline.
Comment: Variant summary: MAN2B1 c.2802dupC (p.Val935ArgfsX115+) causes a frameshift which results in an extension of the protein. The variant was absent in 251250 control chromosomes (gnomAD). c.2802dupC has been reported in the literature in at least one homozygous individual affected with Alpha-Mannosidosis (Riise Stensland_2012). These data indicate that the variant may be associated with disease. To our knowledge, no experimental evidence demonstrating an impact on protein function has been reported. Three ClinVar submitters have assessed the variant since 2014: one classified the variant as likely pathogenic and two as pathogenic. Based on the evidence outlined above, the variant was classified as likely pathogenic.

PreventionGenetics, part of Exact Sciences
Classification: Likely pathogenic for MAN2B1-related condition. Last evaluated: 2022-08-18. Review status: criteria provided, single submitter. Criteria: ACMG Guidelines, 2015. Collection method: clinical testing. Allele origin: germline.
Comment: The MAN2B1 c.2802dupC variant is predicted to result in a frameshift and premature protein termination (p.Val935Argfs*120). If translated, this variant is predicted to result in a MAN2B1 protein that is larger than the wild-type protein. It was reported in the homozygous state in an individual with alpha-mannosidosis, subtype 2 (Table S1 in Riise Stensland et al. 2012. PubMed ID: 22161967). Other frameshift variants expected to lead to extension beyond the canonical stop codon of the MAN2B1 gene have also been reported in patients with alpha-mannosidosis (e.g., Riise Stensland et al. 2012. PubMed ID: 22161967; patient 1 in Lehalle et al. 2019. PubMed ID: 31241255). This variant has not been reported in a large population database, indicating is rare. Frameshift variants in MAN2B1 are expected to be pathogenic. Based on the collective evidence, this variant is interpreted as likely pathogenic.

Genome-Nilou Lab
Classification: Pathogenic for Deficiency of alpha-mannosidase. Last evaluated: 2021-09-05. Review status: criteria provided, single submitter. Criteria: ACMG Guidelines, 2015. Collection method: clinical testing. Allele origin: germline. Affected: no.

Baylor Genetics
Classification: Pathogenic for Deficiency of alpha-mannosidase. Review status: criteria provided, single submitter. Criteria: ACMG Guidelines, 2015. Collection method: clinical testing. Allele origin: germline.

Counsyl
Classification: Likely pathogenic for Deficiency of alpha-mannosidase. Last evaluated: 2016-05-12. Review status: no assertion criteria provided. Collection method: clinical testing. Allele origin: unknown. Not counted in ClinVar's aggregate classification.

Literature cited by the submitters: PubMed 22161967 (cited by 3 submitters); PubMed 26048034 (cited by Labcorp Genetics (formerly Invitae), Labcorp).

NM_000528.4(MAN2B1):c.2802dup (p.Val935fs)

Gene: MAN2B1 (mannosidase alpha class 2B member 1; minus strand). Cytogenetic location: 19p13.13.
Variant type: Duplication.
Coding change: c.2802dup on transcript NM_000528.4 (MANE Select); coding-DNA position 2802, one base duplicated (C; older notation c.2802dupC).
Protein change: p.Val935fs; shifts the reading frame from valine 935.
Molecular consequence: frameshift variant.
Genome position (GRCh38, 1-based): chr19:12,647,461, G duplicated on the plus strand (C on the coding strand, the reverse complement: MAN2B1 is on the minus strand); the first of 5 consecutive G bases (chr19:12,647,461-12,647,465); duplicating any one gives the same sequence. VCF-style (leftmost placement, unchanged base first): chr19-12647460-C-CG. GRCh37 (hg19) VCF-style: chr19-12758274-C-CG.
Other names: c.2802dup (NM_000528.3); c.2799dup, p.Val934fs (NM_001173498.2); short protein forms V934fs, V935fs.
Identifiers: ClinVar variation 370914 (VCV000370914.16), dbSNP rs1057516864, ClinGen allele CA16041945.